The following is an entry in ClinVar:

NM_032856.5(WDR73):c.947G>C (p.Gly316Ala)

Gene: WDR73 (WD repeat domain 73; minus strand). Cytogenetic location: 15q25.2.
Variant type: single nucleotide variant.
Coding change: c.947G>C on transcript NM_032856.5 (MANE Select); coding-DNA position 947, G replaced by C.
Protein change: p.Gly316Ala; replaces glycine 316 with alanine.
Molecular consequence: missense variant. On other transcripts: non-coding transcript variant (4).
Genome position (GRCh38, 1-based): chr15:84,643,660, C>G on the plus strand (G>C on the coding strand, the complement: WDR73 is on the minus strand). VCF-style: chr15-84643660-C-G. GRCh37 (hg19) VCF-style: chr15-85186891-C-G.
Other names: c.947G>C (NM_032856.2, NM_032856.3); short protein forms G316A.
Identifiers: ClinVar variation 1910051 (VCV001910051.10), dbSNP rs370347033, ClinGen allele CA273620057.

ClinVar aggregate classification (germline): Uncertain significance. Review status: criteria provided, multiple submitters, no conflicts (2 of 4 stars). 4 submissions from 4 submitters: Uncertain significance (4). Last evaluated 2025-02-19.

Conditions:
Inborn genetic diseases. Identifiers: MedGen C0950123, MeSH D030342.
Galloway-Mowat syndrome 1 (GAMOS1). Identifiers: Orphanet 2065, Orphanet 83472, MedGen C4551772, MONDO:0033005, OMIM 251300.

Allele frequency attached by ClinVar (database versions not stated): ESP Exome Variant Server 0.00008.

Submissions (4):

GeneDx
Classification: Uncertain significance. Last evaluated: 2025-02-19. Review status: criteria provided, single submitter. Criteria: GeneDx Variant Classification Process June 2021. Collection method: clinical testing. Allele origin: germline. Affected: yes.
Comment: In silico analysis indicates that this missense variant does not alter protein structure/function; Has not been previously published as pathogenic or benign to our knowledge

Ambry Genetics
Classification: Uncertain significance for Inborn genetic diseases. Last evaluated: 2025-01-31. Review status: criteria provided, single submitter. Criteria: Ambry Variant Classification Scheme 2023. Collection method: clinical testing. Allele origin: germline.

Fulgent Genetics
Classification: Uncertain significance for Galloway-Mowat syndrome 1. Last evaluated: 2024-03-11. Review status: criteria provided, single submitter. Criteria: ACMG Guidelines, 2015. Collection method: clinical testing. Allele origin: germline.

Labcorp Genetics (formerly Invitae), Labcorp
Classification: Uncertain significance. Last evaluated: 2022-05-25. Review status: criteria provided, single submitter. Criteria: Invitae Variant Classification Sherloc (09022015). Collection method: clinical testing. Allele origin: germline.
Comment: In summary, the available evidence is currently insufficient to determine the role of this variant in disease. Therefore, it has been classified as a Variant of Uncertain Significance. Algorithms developed to predict the effect of missense changes on protein structure and function are either unavailable or do not agree on the potential impact of this missense change (SIFT: "Deleterious"; PolyPhen-2: "Benign"; Align-GVGD: "Class C0"). This variant has not been reported in the literature in individuals affected with WDR73-related conditions. This variant is present in population databases (rs370347033, gnomAD 0.02%). This sequence change replaces glycine, which is neutral and non-polar, with alanine, which is neutral and non-polar, at codon 316 of the WDR73 protein (p.Gly316Ala).